The following is an entry in ClinVar:

ClinVar aggregate classification (germline): Uncertain significance (1 of 4 stars; one submission).

Allele frequency attached by ClinVar (database versions not stated): TOPMed 0.00003; ExAC 0.00004; gnomAD 0.00007; 1000 Genomes Project 30x 0.00016; 1000 Genomes Project 0.00020.
gnomAD v4.1: 34 of 1,613,872 alleles (0.0021%); highest among the groups gnomAD compares: Admixed American, 0.018%; no homozygotes.

Submission:

Labcorp Genetics (formerly Invitae), Labcorp
Classification: Uncertain significance. Last evaluated: 2022-06-09. Review status: criteria provided, single submitter. Criteria: Invitae Variant Classification Sherloc (09022015). Collection method: clinical testing. Allele origin: germline.
Comment: Algorithms developed to predict the effect of missense changes on protein structure and function (SIFT, PolyPhen-2, Align-GVGD) all suggest that this variant is likely to be disruptive. This variant has not been reported in the literature in individuals affected with ACAN-related conditions. This variant is present in population databases (rs183636867, gnomAD 0.02%). In summary, the available evidence is currently insufficient to determine the role of this variant in disease. Therefore, it has been classified as a Variant of Uncertain Significance. This sequence change replaces glutamic acid, which is acidic and polar, with lysine, which is basic and polar, at codon 2423 of the ACAN protein (p.Glu2423Lys).

NM_001369268.1(ACAN):c.7381G>A (p.Glu2461Lys)

Gene: ACAN (aggrecan; plus strand). Cytogenetic location: 15q26.1.
Variant type: single nucleotide variant.
Coding change: c.7381G>A on transcript NM_001369268.1 (MANE Select); coding-DNA position 7381, G replaced by A.
Protein change: p.Glu2461Lys; replaces glutamic acid 2461 with lysine.
Molecular consequence: missense variant.
Genome position (GRCh38, 1-based): chr15:88,872,959, G>A. VCF-style: chr15-88872959-G-A. GRCh37 (hg19) VCF-style: chr15-89416190-G-A.
Other names: c.7153G>A, p.Glu2385Lys (NM_001135.4, NM_001411096.1); c.7267G>A, p.Glu2423Lys (NM_001411097.1, NM_013227.4); short protein forms E2385K, E2423K, E2461K.
Identifiers: ClinVar variation 1909840 (VCV001909840.5), dbSNP rs183636867, ClinGen allele CA7720668.